The following is an entry in ClinVar:

ClinVar aggregate classification (germline): Conflicting classifications of pathogenicity. Review status: criteria provided, conflicting classifications (1 of 4 stars). 7 submissions from 7 submitters: Uncertain significance (6); Likely benign (1). Last evaluated 2026-05-26.

Conditions:
Holoprosencephaly 7 (HPE7). Identifiers: Orphanet 2162, MedGen C1835820, MONDO:0012562, OMIM 610828.
Gorlin syndrome. Also called: Basal cell nevus syndrome; Nevoid Basal Cell Carcinoma Syndrome. Identifiers: Orphanet 377, MedGen C0004779, MONDO:0007187.
Basal cell carcinoma, susceptibility to, 1. Also called: BCC1. Identifiers: MedGen C2751544, MONDO:0011556, OMIM 605462.
Hereditary cancer-predisposing syndrome. Also called: Neoplastic Syndromes, Hereditary; Tumor predisposition; Hereditary Cancer Syndrome; Hereditary neoplastic syndrome. Identifiers: Orphanet 140162, MedGen C0027672, MeSH D009386, MONDO:0015356.
PTCH1-related disorder. Also called: PTCH1-related disorders; PTCH1-related condition.

Allele frequency attached by ClinVar (database versions not stated): gnomAD 0.00001; gnomAD exomes 0.00001; TOPMed 0.00002.

Submissions (7):

PreventionGenetics, part of Exact Sciences
Classification: Uncertain significance for PTCH1-related condition. Last evaluated: 2026-05-26. Review status: criteria provided, single submitter. Criteria: ACMG Guidelines, 2015. Collection method: clinical testing. Allele origin: germline.
Comment: The PTCH1 c.4049G>A variant is predicted to result in the amino acid substitution p.Arg1350Gln. To our knowledge, this variant has not been reported in the literature or in a large population database (gnomAD), indicating this variant is rare. This variant has conflicting interpretations of uncertain significance and likely benign in ClinVar (Variation ID: 577136). At this time, the clinical significance of this variant is uncertain due to the absence of conclusive functional and genetic evidence.

Labcorp Genetics (formerly Invitae), Labcorp
Classification: Uncertain significance for Gorlin syndrome. Last evaluated: 2025-06-29. Review status: criteria provided, single submitter. Criteria: Invitae Variant Classification Sherloc (09022015). Collection method: clinical testing. Allele origin: germline.
Comment: This sequence change replaces arginine, which is basic and polar, with glutamine, which is neutral and polar, at codon 1350 of the PTCH1 protein (p.Arg1350Gln). This variant is not present in population databases (gnomAD no frequency). This variant has not been reported in the literature in individuals affected with PTCH1-related conditions. ClinVar contains an entry for this variant (Variation ID: 577136). Invitae Evidence Modeling of protein sequence and biophysical properties (such as structural, functional, and spatial information, amino acid conservation, physicochemical variation, residue mobility, and thermodynamic stability) indicates that this missense variant is not expected to disrupt PTCH1 protein function with a negative predictive value of 95%. In summary, the available evidence is currently insufficient to determine the role of this variant in disease. Therefore, it has been classified as a Variant of Uncertain Significance.

Blueprint Genetics
Classification: Uncertain significance. Last evaluated: 2024-11-21. Review status: criteria provided, single submitter. Criteria: ACMG Guidelines, 2015. Collection method: clinical testing. Allele origin: germline.

Quest Diagnostics Nichols Institute San Juan Capistrano
Classification: Uncertain significance. Last evaluated: 2024-08-14. Review status: criteria provided, single submitter. Criteria: Quest Diagnostics criteria. Collection method: clinical testing. Allele origin: unknown.
Comment: The PTCH1 c.4049G>A (p.Arg1350Gln) variant has not been reported in individuals with PTCH1-related conditions in the published literature. The frequency of this variant in the general population, 0.0000066 (1/152214 chromosomes (Genome Aggregation Database)), is uninformative in the assessment of its pathogenicity. Analysis of this variant using bioinformatics tools for the prediction of the effect of amino acid changes on protein structure and function yielded predictions that this variant is benign. Additional analysis using software algorithms for the prediction of the effect of nucleotide changes on PTCH1 mRNA splicing yielded predictions that this variant may result in the gain of a cryptic splice site without affecting the natural splice sites. Based on the available information, we are unable to determine the clinical significance of this variant.

Baylor Genetics
Classification: Uncertain significance for Basal cell carcinoma, susceptibility to, 1. Last evaluated: 2023-11-14. Review status: criteria provided, single submitter. Criteria: ACMG Guidelines, 2015. Collection method: clinical testing. Allele origin: unknown.

Ambry Genetics
Classification: Likely benign for Hereditary cancer-predisposing syndrome. Last evaluated: 2023-01-19. Review status: criteria provided, single submitter. Criteria: Ambry Variant Classification Scheme 2023. Collection method: clinical testing. Allele origin: germline.

Fulgent Genetics
Classification: Uncertain significance for Basal cell nevus syndrome 1; Basal cell carcinoma, susceptibility to, 1; Holoprosencephaly 7. Last evaluated: 2018-10-31. Review status: criteria provided, single submitter. Criteria: ACMG Guidelines, 2015. Collection method: clinical testing. Allele origin: unknown.

NM_000264.5(PTCH1):c.4049G>A (p.Arg1350Gln)

Gene: PTCH1 (patched 1; minus strand). Cytogenetic location: 9q22.32.
Variant type: single nucleotide variant.
Coding change: c.4049G>A on transcript NM_000264.5 (MANE Select); coding-DNA position 4049, G replaced by A.
Protein change: p.Arg1350Gln; replaces arginine 1350 with glutamine.
Molecular consequence: missense variant. On other transcripts: non-coding transcript variant (1).
Genome position (GRCh38, 1-based): chr9:95,447,207, C>T on the plus strand (G>A on the coding strand, the complement: PTCH1 is on the minus strand). VCF-style: chr9-95447207-C-T. GRCh37 (hg19) VCF-style: chr9-98209489-C-T.
Other names: c.3851G>A, p.Arg1284Gln (NM_001083602.3); c.4046G>A, p.Arg1349Gln (NM_001083603.3); c.3596G>A, p.Arg1199Gln (NM_001083604.3, NM_001083605.3, NM_001083606.3 and 1 more transcripts); c.3893G>A, p.Arg1298Gln (NM_001354918.2); c.4049G>A (NM_000264.4); short protein forms R1284Q, R1350Q, R1298Q, R1349Q, R1199Q.
Identifiers: ClinVar variation 577136 (VCV000577136.19), dbSNP rs978722722, ClinGen allele CA196558088.